The following is an entry in ClinVar:

ClinVar aggregate classification (germline): Uncertain significance (1 of 4 stars; one submission).

Submission:

Labcorp Genetics (formerly Invitae), Labcorp
Classification: Uncertain significance. Last evaluated: 2025-05-04. Review status: criteria provided, single submitter. Criteria: Invitae Variant Classification Sherloc (09022015). Collection method: clinical testing. Allele origin: germline.
Comment: This sequence change replaces proline, which is neutral and non-polar, with histidine, which is basic and polar, at codon 91 of the FOXI3 protein (p.Pro91His). The frequency data for this variant in the population databases is considered unreliable, as metrics indicate insufficient coverage at this position in the gnomAD database. This variant has not been reported in the literature in individuals affected with FOXI3-related conditions. Experimental studies and prediction algorithms are not available or were not evaluated, and the functional significance of this variant is currently unknown. In summary, the available evidence is currently insufficient to determine the role of this variant in disease. Therefore, it has been classified as a Variant of Uncertain Significance.

NM_001135649.3(FOXI3):c.272C>A (p.Pro91His)

Gene: FOXI3 (forkhead box I3; minus strand). Cytogenetic location: 2p11.2.
Variant type: single nucleotide variant.
Coding change: c.272C>A on transcript NM_001135649.3 (MANE Select); coding-DNA position 272, C replaced by A.
Protein change: p.Pro91His; replaces proline 91 with histidine.
Molecular consequence: missense variant.
Genome position (GRCh38, 1-based): chr2:88,452,264, G>T on the plus strand (C>A on the coding strand, the complement: FOXI3 is on the minus strand). VCF-style: chr2-88452264-G-T. GRCh37 (hg19) VCF-style: chr2-88751782-G-T.
Other names: short protein forms P91H.
Identifiers: ClinVar variation 4718920 (VCV004718920.1).
Genomic context (GRCh38, chr2:88,452,264, plus strand): 5'-TGCGCGAAGGGCCGCTGAGAGCAGCCGAAGGTGCCGGCGGCAGGCGGTGGCTGCAGAAAG[G>T]GCCCGGCCGCGGCCCCGGGGGGCGGCGGCGGCGGCGGAGCGCCCAGGTACGCGGCGGCGG-3'
Protein context (NP_001129121.1, residues 81-101): PPPPPGAAAG[Pro91His]FLQPPPAAGT